The following is an entry in ClinVar:

NM_012431.3(SEMA3E):c.1648A>G (p.Thr550Ala)

Gene: SEMA3E (semaphorin 3E; minus strand). Cytogenetic location: 7q21.11.
Variant type: single nucleotide variant.
Coding change: c.1648A>G on transcript NM_012431.3 (MANE Select); coding-DNA position 1648, A replaced by G.
Protein change: p.Thr550Ala; replaces threonine 550 with alanine.
Molecular consequence: missense variant.
Genome position (GRCh38, 1-based): chr7:83,392,574, T>C on the plus strand (A>G on the coding strand, the complement: SEMA3E is on the minus strand). VCF-style: chr7-83392574-T-C. GRCh37 (hg19) VCF-style: chr7-83021890-T-C.
Other names: c.1468A>G, p.Thr490Ala (NM_001178129.2); short protein forms T490A, T550A.
Identifiers: ClinVar variation 3349818 (VCV003349818.1).

ClinVar aggregate classification (germline): Uncertain significance (0 of 4 stars; one submission).

Conditions:
SEMA3E-related disorder. Also called: SEMA3E-related condition.

Submission:

PreventionGenetics, part of Exact Sciences
Classification: Uncertain significance for SEMA3E-related condition. Last evaluated: 2024-02-27. Review status: no assertion criteria provided. Collection method: clinical testing. Allele origin: germline.
Comment: The SEMA3E c.1648A>G variant is predicted to result in the amino acid substitution p.Thr550Ala. To our knowledge, this variant has not been reported in the literature or in a large population database, indicating this variant is rare. At this time, the clinical significance of this variant is uncertain due to the absence of conclusive functional and genetic evidence.